The following is an entry in ClinVar:

NM_000275.3(OCA2):c.894G>C (p.Glu298Asp)

Gene: OCA2 (OCA2 melanosomal transmembrane protein; minus strand). Cytogenetic location: 15q13.1.
Variant type: single nucleotide variant.
Coding change: c.894G>C on transcript NM_000275.3 (MANE Select); coding-DNA position 894, G replaced by C.
Protein change: p.Glu298Asp; replaces glutamic acid 298 with aspartic acid.
Molecular consequence: missense variant.
Genome position (GRCh38, 1-based): chr15:28,014,926, C>G on the plus strand (G>C on the coding strand, the complement: OCA2 is on the minus strand). VCF-style: chr15-28014926-C-G. GRCh37 (hg19) VCF-style: chr15-28260072-C-G.
Other names: c.894G>C, p.Glu298Asp (NM_001300984.2); short protein forms E298D.
Identifiers: ClinVar variation 2109658 (VCV002109658.4), dbSNP rs770701955, ClinGen allele CA391365106.

ClinVar aggregate classification (germline): Uncertain significance (1 of 4 stars; one submission).

Submission:

Labcorp Genetics (formerly Invitae), Labcorp
Classification: Uncertain significance. Last evaluated: 2022-03-12. Review status: criteria provided, single submitter. Criteria: Invitae Variant Classification Sherloc (09022015). Collection method: clinical testing. Allele origin: germline.
Comment: Advanced modeling of protein sequence and biophysical properties (such as structural, functional, and spatial information, amino acid conservation, physicochemical variation, residue mobility, and thermodynamic stability) performed at Invitae indicates that this missense variant is not expected to disrupt OCA2 protein function. This variant has not been reported in the literature in individuals affected with OCA2-related conditions. This variant is not present in population databases (gnomAD no frequency). This sequence change replaces glutamic acid, which is acidic and polar, with aspartic acid, which is acidic and polar, at codon 298 of the OCA2 protein (p.Glu298Asp). In summary, the available evidence is currently insufficient to determine the role of this variant in disease. Therefore, it has been classified as a Variant of Uncertain Significance.